The following is an entry in ClinVar:

ClinVar aggregate classification (germline): Benign (1 of 4 stars; one submission).

Conditions:
Lynch syndrome 5 (LYNCH5). Also called: Colorectal cancer, hereditary nonpolyposis, type 5; Hereditary non-polyposis colorectal cancer, type 5. Identifiers: Orphanet 144, MedGen C1833477, MONDO:0013710, OMIM 614350. Disease mechanism: loss of function.

Submission:

Myriad Genetics, Inc.
Classification: Benign for Lynch syndrome 5. Last evaluated: 2024-12-31. Review status: criteria provided, single submitter. Criteria: Myriad Autosomal Dominant, Autosomal Recessive and X-Linked Classification Criteria (2023). Collection method: clinical testing. Allele origin: unknown.
Comment: This variant is considered benign. This variant is a silent/synonymous amino acid change and it is not expected to impact splicing.

NM_000179.3(MSH6):c.2463A>G (p.Leu821=)

Gene: MSH6 (mutS homolog 6; plus strand). Cytogenetic location: 2p16.3.
Variant type: single nucleotide variant.
Coding change: c.2463A>G on transcript NM_000179.3 (MANE Select); coding-DNA position 2463, A replaced by G.
Protein change: p.Leu821=; no amino-acid change (leucine 821 retained).
Molecular consequence: synonymous variant. On other transcripts: non-coding transcript variant (5), intron variant (3).
Genome position (GRCh38, 1-based): chr2:47,800,446, A>G. VCF-style: chr2-47800446-A-G. GRCh37 (hg19) VCF-style: chr2-48027585-A-G.
Other names: c.2073A>G, p.Leu691= (NM_001281492.2); c.1557A>G, p.Leu519= (NM_001281493.2, NM_001281494.2, NM_001406811.1 and 6 more transcripts); c.2559A>G, p.Leu853= (NM_001406795.1, NM_001406802.1); c.2463A>G, p.Leu821= (NM_001406796.1, NM_001406798.1, NM_001406800.1 and 2 more transcripts); c.2166A>G, p.Leu722= (NM_001406797.1, NM_001406801.1, NM_001406805.1 and 10 more transcripts); c.1938A>G, p.Leu646= (NM_001406799.1, NM_001406806.1, NM_001406807.1); c.2385A>G, p.Leu795= (NM_001406804.1); c.2469A>G, p.Leu823= (NM_001406813.1); and 4 more.
Identifiers: ClinVar variation 3903640 (VCV003903640.1).